The following is an entry in ClinVar:

NM_001042492.3(NF1):c.6001G>C (p.Gly2001Arg)

Gene: NF1 (neurofibromin 1; plus strand). Cytogenetic location: 17q11.2.
Variant type: single nucleotide variant.
Coding change: c.6001G>C on transcript NM_001042492.3 (MANE Select); coding-DNA position 6001, G replaced by C.
Protein change: p.Gly2001Arg; replaces glycine 2001 with arginine.
Molecular consequence: missense variant.
Genome position (GRCh38, 1-based): chr17:31,335,026, G>C. VCF-style: chr17-31335026-G-C. GRCh37 (hg19) VCF-style: chr17-29662044-G-C.
Other names: c.5938G>C, p.Gly1980Arg (NM_000267.4); short protein forms G1980R, G2001R.
Identifiers: ClinVar variation 457773 (VCV000457773.11), dbSNP rs199474751, ClinGen allele CA399010970.

ClinVar aggregate classification (germline): Uncertain significance. Review status: criteria provided, multiple submitters, no conflicts (2 of 4 stars). 3 submissions from 3 submitters: Uncertain significance (3). Last evaluated 2023-01-11.

Conditions:
Neurofibromatosis, type 1 (NF1). Also called: VON RECKLINGHAUSEN DISEASE; NEUROFIBROMATOSIS, TYPE I, SOMATIC; Peripheral type neurofibromatosis; Neurofibromatosis, type I. Identifiers: Orphanet 636, MedGen C0027831, MONDO:0018975, OMIM 162200. Disease mechanism: loss of function.

Submissions (3):

Labcorp Genetics (formerly Invitae), Labcorp
Classification: Uncertain significance for Neurofibromatosis, type 1. Last evaluated: 2023-01-11. Review status: criteria provided, single submitter. Criteria: Invitae Variant Classification Sherloc (09022015). Collection method: clinical testing. Allele origin: germline.
Comment: In summary, the available evidence is currently insufficient to determine the role of this variant in disease. Therefore, it has been classified as a Variant of Uncertain Significance. Advanced modeling of protein sequence and biophysical properties (such as structural, functional, and spatial information, amino acid conservation, physicochemical variation, residue mobility, and thermodynamic stability) performed at Invitae indicates that this missense variant is expected to disrupt NF1 protein function. ClinVar contains an entry for this variant (Variation ID: 457773). This missense change has been observed in individual(s) with clinical features of neurofibromatosis type 1 (PMID: 15146469, 31370276). This variant is not present in population databases (gnomAD no frequency). This sequence change replaces glycine, which is neutral and non-polar, with arginine, which is basic and polar, at codon 1980 of the NF1 protein (p.Gly1980Arg).

Genome-Nilou Lab
Classification: Uncertain significance for Neurofibromatosis, type 1. Last evaluated: 2022-03-15. Review status: criteria provided, single submitter. Criteria: ACMG Guidelines, 2015. Collection method: clinical testing. Allele origin: germline. Affected: no.

Genome Diagnostics Laboratory, The Hospital for Sick Children
Classification: Uncertain significance for Neurofibromatosis, type 1. Last evaluated: 2020-10-26. Review status: criteria provided, single submitter. Criteria: ACMG Guidelines, 2015. Collection method: clinical testing. Allele origin: germline. Affected: yes.

Literature cited by the submitters: PubMed 15146469 (cited by Labcorp Genetics (formerly Invitae), Labcorp); PubMed 31370276 (cited by Labcorp Genetics (formerly Invitae), Labcorp).